The following is an entry in ClinVar:

NM_017646.6(TRIT1):c.326T>C (p.Ile109Thr)

Gene: TRIT1 (tRNA isopentenyltransferase 1; minus strand). Cytogenetic location: 1p34.2.
Variant type: single nucleotide variant.
Coding change: c.326T>C on transcript NM_017646.6 (MANE Select); coding-DNA position 326, T replaced by C.
Protein change: p.Ile109Thr; replaces isoleucine 109 with threonine.
Molecular consequence: missense variant. On other transcripts: intron variant (1).
Genome position (GRCh38, 1-based): chr1:39,854,058, A>G on the plus strand (T>C on the coding strand, the complement: TRIT1 is on the minus strand). VCF-style: chr1-39854058-A-G. GRCh37 (hg19) VCF-style: chr1-40319730-A-G.
Other names: c.326T>C, p.Ile109Thr (NM_001312691.2); c.175-1182T>C (NM_001312692.1); short protein forms I109T.
Identifiers: ClinVar variation 545454 (VCV000545454.9), dbSNP rs146838322, ClinGen allele CA788130.

ClinVar aggregate classification (germline): Conflicting classifications of pathogenicity. Review status: criteria provided, conflicting classifications (1 of 4 stars). 4 submissions from 4 submitters: Likely pathogenic (2); Uncertain significance (1). 1 of the submissions does not count toward it. Last evaluated 2022-06-28.

Conditions:
Combined oxidative phosphorylation deficiency 35 (COXPD35). Identifiers: MedGen C4693466, MONDO:0054742, OMIM 617873.
Inborn genetic diseases. Identifiers: MedGen C0950123, MeSH D030342.
Macrocephaly. Also called: Macrocephalus; large head. Identifiers: MedGen C2243051, HP:0000256.

Allele frequency attached by ClinVar (database versions not stated): gnomAD exomes 0.00001; TOPMed 0.00001; ESP Exome Variant Server 0.00008; ExAC 0.00001.
gnomAD v4.1: 15 of 1,604,928 alleles (0.00093%); highest among the groups gnomAD compares: South Asian, 0.0033%; no homozygotes.

Submissions (4):

GeneDx
Classification: Likely pathogenic. Last evaluated: 2022-06-28. Review status: criteria provided, single submitter. Criteria: GeneDx Variant Classification Process June 2021. Collection method: clinical testing. Allele origin: germline. Affected: yes.
Comment: Not observed at significant frequency in large population cohorts (gnomAD); In silico analysis supports that this missense variant has a deleterious effect on protein structure/function; This variant is associated with the following publications: (PMID: 32088416, 30977854)

Ambry Genetics
Classification: Uncertain significance for Inborn genetic diseases. Last evaluated: 2021-10-19. Review status: criteria provided, single submitter. Criteria: Ambry Variant Classification Scheme 2023. Collection method: clinical testing. Allele origin: germline.
Comment: The c.326T>C (p.I109T) alteration is located in coding exon 3 of the TRIT1 gene. This alteration results from a T to C substitution at nucleotide position 326, causing the isoleucine (I) at amino acid position 109 to be replaced by a threonine (T). Based on data from gnomAD, the C allele has an overall frequency of <0.01% (3/247036) total alleles studied. This alteration has been reported in a patient with childhood epilepsy in combination with a second TRIT1 alteration. No additional clinical information was provided (Balciuniene, 2019). This amino acid position is not well conserved in available vertebrate species. The in silico prediction for this alteration is inconclusive. Based on insufficient or conflicting evidence, the clinical significance of this alteration remains unclear.

Equipe Genetique des Anomalies du Developpement, Université de Bourgogne
Classification: Likely pathogenic for Macrocephaly. Last evaluated: 2017-06-01. Review status: criteria provided, single submitter. Criteria: ACMG Guidelines, 2015. Collection method: clinical testing. Allele origin: inherited. Affected: yes. Observed: 1 compound heterozygote.

OMIM
Classification: Pathogenic for COMBINED OXIDATIVE PHOSPHORYLATION DEFICIENCY 35. Last evaluated: 2024-02-06. Review status: no assertion criteria provided. Collection method: literature only. Allele origin: germline. Not counted in ClinVar's aggregate classification.

Literature cited by the submitters: PubMed 30977854 (cited by Ambry Genetics); PubMed 36047296 (cited by OMIM).